The following is an entry in ClinVar:

NM_007194.4(CHEK2):c.660C>T (p.Tyr220=)

Gene: CHEK2 (checkpoint kinase 2; minus strand). Cytogenetic location: 22q12.1.
Variant type: single nucleotide variant.
Coding change: c.660C>T on transcript NM_007194.4 (MANE Select); coding-DNA position 660, C replaced by T.
Protein change: p.Tyr220=; no amino-acid change (tyrosine 220 retained).
Molecular consequence: synonymous variant. On other transcripts: 5 prime UTR variant (2), intron variant (1).
Genome position (GRCh38, 1-based): chr22:28,719,418, G>A on the plus strand (C>T on the coding strand, the complement: CHEK2 is on the minus strand). VCF-style: chr22-28719418-G-A. GRCh37 (hg19) VCF-style: chr22-29115406-G-A.
Other names: c.789C>T, p.Tyr263= (NM_001005735.3, NM_001438294.1); c.-4C>T (NM_001257387.3, NM_001437942.1); c.753C>T, p.Tyr251= (NM_001438293.1, NM_001438295.1); c.660C>T, p.Tyr220= (NM_145862.3); c.482+5468C>T (NM_001349956.3).
Identifiers: ClinVar variation 232784 (VCV000232784.18), dbSNP rs876659987, ClinGen allele CA10581083.

ClinVar aggregate classification (germline): Benign/Likely benign. Review status: criteria provided, multiple submitters, no conflicts (2 of 4 stars). 5 submissions from 5 submitters: Benign (1); Likely benign (4). Last evaluated 2026-09-11.

Conditions:
Hereditary nonpolyposis colon cancer (HNPCC). Also called: Hereditary nonpolyposis colorectal cancer; Familial nonpolyposis colon cancer; Hereditary Nonpolyposis Colorectal Cancer Syndrome. Identifiers: Orphanet 443909, MedGen C1333990, MONDO:0018630. Disease mechanism: loss of function.
Hereditary cancer-predisposing syndrome. Also called: Tumor predisposition; Neoplastic Syndromes, Hereditary; Hereditary Cancer Syndrome; Hereditary neoplastic syndrome. Identifiers: Orphanet 140162, MedGen C0027672, MeSH D009386, MONDO:0015356.
Familial cancer of breast. Also called: hereditary breast carcinoma; BREAST CANCER, FAMILIAL; Hereditary breast cancer. Identifiers: Orphanet 227535, MedGen C0346153, MONDO:0016419, OMIM 114480. Disease mechanism: loss of function.

Allele frequency attached by ClinVar (database versions not stated): TOPMed below 0.00001; gnomAD 0.00002; gnomAD exomes below 0.00001.
gnomAD v4.1: 4 of 1,591,546 alleles (0.00025%); highest among the groups gnomAD compares: Admixed American, 0.0035%; no homozygotes.

Submissions (5):

Ambry Genetics
Classification: Likely benign for Hereditary cancer-predisposing syndrome. Last evaluated: 2026-09-11. Review status: criteria provided, single submitter. Criteria: Ambry Variant Classification Scheme 2023. Collection method: clinical testing. Allele origin: germline.

Labcorp Genetics (formerly Invitae), Labcorp
Classification: Likely benign for Familial cancer of breast. Last evaluated: 2026-01-19. Review status: criteria provided, single submitter. Criteria: Invitae Variant Classification Sherloc (09022015). Collection method: clinical testing. Allele origin: germline.

Myriad Genetics, Inc.
Classification: Benign for Familial cancer of breast. Last evaluated: 2024-10-03. Review status: criteria provided, single submitter. Criteria: Myriad Autosomal Dominant, Autosomal Recessive and X-Linked Classification Criteria (2023). Collection method: clinical testing. Allele origin: unknown.
Comment: This variant is considered benign. This variant is a silent/synonymous amino acid change and it is not expected to impact splicing.

Department of Pathology and Laboratory Medicine, Sinai Health System
Classification: Likely benign for hereditary nonpolyposis colon cancer. Last evaluated: 2023-09-28. Review status: criteria provided, single submitter. Criteria: ACMG Guidelines, 2015. Collection method: clinical testing. Allele origin: germline. Affected: no.

Color Diagnostics, LLC DBA Color Health
Classification: Likely benign for Hereditary cancer-predisposing syndrome. Last evaluated: 2023-02-27. Review status: criteria provided, single submitter. Criteria: ACMG Guidelines, 2015. Collection method: clinical testing. Allele origin: germline.